The following is an entry in ClinVar:

ClinVar aggregate classification (germline): Uncertain significance. Review status: criteria provided, multiple submitters, no conflicts (2 of 4 stars). 3 submissions from 3 submitters: Uncertain significance (3). Last evaluated 2024-10-02.

Conditions:
Charcot-Marie-Tooth disease type 2. Also called: Charcot-Marie-Tooth type 2. Identifiers: Orphanet 64746, MedGen C0270914, MONDO:0018993.

Allele frequency attached by ClinVar (database versions not stated): gnomAD 0.00001; TOPMed 0.00001.
gnomAD v4.1: 5 of 1,614,102 alleles (0.00031%); highest among the groups gnomAD compares: African/African-American, 0.0027%; no homozygotes.

Submissions (3):

GeneDx
Classification: Uncertain significance. Last evaluated: 2024-10-02. Review status: criteria provided, single submitter. Criteria: GeneDx Variant Classification Process June 2021. Collection method: clinical testing. Allele origin: germline. Affected: yes.
Comment: Not observed at significant frequency in large population cohorts (gnomAD); In silico analysis indicates that this missense variant does not alter protein structure/function; Has not been previously published as pathogenic or benign to our knowledge

Labcorp Genetics (formerly Invitae), Labcorp
Classification: Uncertain significance for Charcot-Marie-Tooth disease type 2. Last evaluated: 2024-01-16. Review status: criteria provided, single submitter. Criteria: Invitae Variant Classification Sherloc (09022015). Collection method: clinical testing. Allele origin: germline.
Comment: This sequence change replaces valine, which is neutral and non-polar, with methionine, which is neutral and non-polar, at codon 309 of the MFN2 protein (p.Val309Met). This variant is not present in population databases (gnomAD no frequency). This variant has not been reported in the literature in individuals affected with MFN2-related conditions. Advanced modeling of protein sequence and biophysical properties (such as structural, functional, and spatial information, amino acid conservation, physicochemical variation, residue mobility, and thermodynamic stability) performed at Invitae indicates that this missense variant is expected to disrupt MFN2 protein function with a positive predictive value of 80%. In summary, the available evidence is currently insufficient to determine the role of this variant in disease. Therefore, it has been classified as a Variant of Uncertain Significance.

Blueprint Genetics
Classification: Uncertain significance. Last evaluated: 2022-09-29. Review status: criteria provided, single submitter. Criteria: ACMG Guidelines, 2015. Collection method: clinical testing. Allele origin: germline.

NM_014874.4(MFN2):c.925G>A (p.Val309Met)

Gene: MFN2 (mitofusin 2; plus strand). Cytogenetic location: 1p36.22.
Variant type: single nucleotide variant.
Coding change: c.925G>A on transcript NM_014874.4 (MANE Select); coding-DNA position 925, G replaced by A.
Protein change: p.Val309Met; replaces valine 309 with methionine.
Molecular consequence: missense variant.
Genome position (GRCh38, 1-based): chr1:12,001,509, G>A. VCF-style: chr1-12001509-G-A. GRCh37 (hg19) VCF-style: chr1-12061566-G-A.
Other names: c.925G>A, p.Val309Met (NM_001127660.2); short protein forms V309M.
Identifiers: ClinVar variation 3002303 (VCV003002303.5), dbSNP rs1341422306, ClinGen allele CA338441889.